The following is an entry in ClinVar:

ClinVar aggregate classification (germline): Benign/Likely benign. Review status: criteria provided, multiple submitters, no conflicts (2 of 4 stars). 3 submissions from 3 submitters: Benign (1); Likely benign (2). Last evaluated 2024-10-24.

Conditions:
Kabuki syndrome. Also called: NIIKAWA-KUROKI SYNDROME; Kabuki make-up syndrome. Identifiers: Orphanet 2322, MedGen C0796004, MONDO:0016512.

Allele frequency attached by ClinVar (database versions not stated): gnomAD 0.00001; gnomAD exomes 0.00002.
gnomAD v4.1: 35 of 1,569,954 alleles (0.0022%); highest among the groups gnomAD compares: Non-Finnish European, 0.0029%; no homozygotes.

Submissions (3):

Labcorp Genetics (formerly Invitae), Labcorp
Classification: Benign for Kabuki syndrome. Last evaluated: 2024-10-24. Review status: criteria provided, single submitter. Criteria: Invitae Variant Classification Sherloc (09022015). Collection method: clinical testing. Allele origin: germline.

CeGaT Center for Human Genetics Tuebingen
Classification: Likely benign. Last evaluated: 2024-07-01. Review status: criteria provided, single submitter. Criteria: CeGaT Center For Human Genetics Tuebingen Variant Classification Criteria Version 2. Collection method: clinical testing. Allele origin: germline. Affected: yes. Observed: 1 variant allele.
Comment: KMT2D: BP4, BP7

Blueprint Genetics
Classification: Likely benign. Last evaluated: 2023-06-21. Review status: criteria provided, single submitter. Criteria: ACMG Guidelines, 2015. Collection method: clinical testing. Allele origin: germline.

NM_003482.4(KMT2D):c.2028G>A (p.Glu676=)

Gene: KMT2D (lysine methyltransferase 2D; minus strand). Cytogenetic location: 12q13.12.
Variant type: single nucleotide variant.
Coding change: c.2028G>A on transcript NM_003482.4 (MANE Select); coding-DNA position 2028, G replaced by A.
Protein change: p.Glu676=; no amino-acid change (glutamic acid 676 retained).
Molecular consequence: synonymous variant.
Genome position (GRCh38, 1-based): chr12:49,051,655, C>T on the plus strand (G>A on the coding strand, the complement: KMT2D is on the minus strand). VCF-style: chr12-49051655-C-T. GRCh37 (hg19) VCF-style: chr12-49445438-C-T.
Identifiers: ClinVar variation 2193563 (VCV002193563.22), dbSNP rs906039207, ClinGen allele CA236619840.